The following is an entry in ClinVar:

NM_006073.4(TRDN):c.436G>T (p.Asp146Tyr)

Gene: TRDN (triadin; minus strand). Cytogenetic location: 6q22.31.
Variant type: single nucleotide variant.
Coding change: c.436G>T on transcript NM_006073.4 (MANE Select); coding-DNA position 436, G replaced by T.
Protein change: p.Asp146Tyr; replaces aspartic acid 146 with tyrosine.
Molecular consequence: missense variant.
Genome position (GRCh38, 1-based): chr6:123,530,554, C>A on the plus strand (G>T on the coding strand, the complement: TRDN is on the minus strand). VCF-style: chr6-123530554-C-A. GRCh37 (hg19) VCF-style: chr6-123851699-C-A.
Other names: c.436G>T, p.Asp146Tyr (NM_001251987.2, NM_001256020.2, NM_001256021.2 and 1 more transcripts); short protein forms D146Y.
Identifiers: ClinVar variation 958043 (VCV000958043.11), dbSNP rs1780197036, ClinGen allele CA365568503.

ClinVar aggregate classification (germline): Uncertain significance (1 of 4 stars; one submission).

Conditions:
Catecholaminergic polymorphic ventricular tachycardia 1. Also called: VENTRICULAR TACHYCARDIA, CATECHOLAMINERGIC POLYMORPHIC, 1, WITH OR WITHOUT ATRIAL DYSFUNCTION AND/OR DILATED CARDIOMYOPATHY; VENTRICULAR TACHYCARDIA, STRESS-INDUCED POLYMORPHIC 1; RYR2-Related Catecholaminergic Polymorphic Ventricular Tachycardia. Identifiers: Orphanet 3286, MedGen C1631597, MONDO:0011484, OMIM 604772.

Submission:

Labcorp Genetics (formerly Invitae), Labcorp
Classification: Uncertain significance for Catecholaminergic polymorphic ventricular tachycardia 1. Last evaluated: 2019-10-23. Review status: criteria provided, single submitter. Criteria: Invitae Variant Classification Sherloc (09022015). Collection method: clinical testing. Allele origin: germline.
Comment: This sequence change replaces aspartic acid with tyrosine at codon 146 of the TRDN protein (p.Asp146Tyr). The aspartic acid residue is weakly conserved and there is a large physicochemical difference between aspartic acid and tyrosine. In summary, the available evidence is currently insufficient to determine the role of this variant in disease. Therefore, it has been classified as a Variant of Uncertain Significance. This variant has not been reported in the literature in individuals with TRDN-related conditions. This variant is not present in population databases (ExAC no frequency).